The following is an entry in ClinVar:

NM_024757.5(EHMT1):c.1339A>C (p.Arg447=)

Gene: EHMT1 (euchromatic histone lysine methyltransferase 1; plus strand). Cytogenetic location: 9q34.3.
Variant type: single nucleotide variant.
Coding change: c.1339A>C on transcript NM_024757.5 (MANE Select); coding-DNA position 1339, A replaced by C.
Protein change: p.Arg447=; no amino-acid change (arginine 447 retained).
Molecular consequence: synonymous variant.
Genome position (GRCh38, 1-based): chr9:137,754,261, A>C. VCF-style: chr9-137754261-A-C. GRCh37 (hg19) VCF-style: chr9-140648713-A-C.
Other names: c.1339A>C, p.Arg447= (NM_001145527.2, NM_001354611.2); c.1246A>C, p.Arg416= (NM_001354259.2, NM_001354612.2); c.1318A>C, p.Arg440= (NM_001354263.2).
Identifiers: ClinVar variation 2579083 (VCV002579083.25), dbSNP rs2541827379, ClinGen allele CA467873729.
Genomic context (GRCh38, chr9:137,754,261, plus strand): 5'-CTCAAGAGGAAAGGAAAGACCGACAGTCCCTGGATCAAGCCAGCCAGGAAAAGGAGGCGG[A>C]GAAGTAGAAAGAAGCCCAGCGGTGCCCTCGGTAAATGCCGTGGGGGTGTGGGCCATCACG-3'
Protein context (NP_079033.4, residues 437-457): WIKPARKRRR[Arg447=]SRKKPSGALG

ClinVar aggregate classification (germline): Likely benign (1 of 4 stars; one submission).

Submission:

CeGaT Center for Human Genetics Tuebingen
Classification: Likely benign. Last evaluated: 2023-07-01. Review status: criteria provided, single submitter. Criteria: CeGaT Center For Human Genetics Tuebingen Variant Classification Criteria Version 2. Collection method: clinical testing. Allele origin: germline. Affected: yes. Observed: 1 variant allele.
Comment: EHMT1: PM2:Supporting, BP4, BP7